The following is an entry in ClinVar:

ClinVar aggregate classification (germline): Likely benign (0 of 4 stars; one submission).

Conditions:
CEBPA-related disorder. Also called: CEBPA-related condition.

Submission:

PreventionGenetics, part of Exact Sciences
Classification: Likely benign for CEBPA-related condition. Last evaluated: 2021-07-04. Review status: no assertion criteria provided. Collection method: clinical testing. Allele origin: germline.
Comment: This variant is classified as likely benign based on ACMG/AMP sequence variant interpretation guidelines (Richards et al. 2015 PMID: 25741868, with internal and published modifications).

NM_004364.5(CEBPA):c.369A>C (p.Gly123=)

Gene: CEBPA (CCAAT enhancer binding protein alpha; minus strand). Cytogenetic location: 19q13.11.
Variant type: single nucleotide variant.
Coding change: c.369A>C on transcript NM_004364.5 (MANE Select); coding-DNA position 369, A replaced by C.
Protein change: p.Gly123=; no amino-acid change (glycine 123 retained).
Molecular consequence: synonymous variant.
Genome position (GRCh38, 1-based): chr19:33,302,046, T>G on the plus strand (A>C on the coding strand, the complement: CEBPA is on the minus strand). VCF-style: chr19-33302046-T-G. GRCh37 (hg19) VCF-style: chr19-33792952-T-G.
Other names: c.12A>C, p.Gly4= (NM_001285829.2); c.474A>C, p.Gly158= (NM_001287424.2); c.327A>C, p.Gly109= (NM_001287435.2).
Identifiers: ClinVar variation 3031816 (VCV003031816.2), dbSNP rs2513331799, ClinGen allele CA507007858.